The following is an entry in ClinVar:

ClinVar aggregate classification (germline): Uncertain significance. Review status: criteria provided, multiple submitters, no conflicts (2 of 4 stars). 4 submissions from 4 submitters: Uncertain significance (4). Last evaluated 2025-08-04.

Conditions:
Inborn genetic diseases. Identifiers: MedGen C0950123, MeSH D030342.

Allele frequency attached by ClinVar (database versions not stated): gnomAD 0.00027; 1000 Genomes Project 30x 0.00031; TOPMed 0.00035; ESP Exome Variant Server 0.00038; 1000 Genomes Project 0.00040.
gnomAD v4.1: 80 of 1,613,572 alleles (0.005%); highest among the groups gnomAD compares: African/African-American, 0.069%; no homozygotes.

Submissions (4):

Ambry Genetics
Classification: Uncertain significance for Inborn genetic diseases. Last evaluated: 2025-08-04. Review status: criteria provided, single submitter. Criteria: Ambry Variant Classification Scheme 2023. Collection method: clinical testing. Allele origin: germline.

Labcorp Genetics (formerly Invitae), Labcorp
Classification: Uncertain significance. Last evaluated: 2022-07-19. Review status: criteria provided, single submitter. Criteria: Invitae Variant Classification Sherloc (09022015). Collection method: clinical testing. Allele origin: germline.
Comment: This sequence change replaces arginine, which is basic and polar, with glutamine, which is neutral and polar, at codon 4086 of the HSPG2 protein (p.Arg4086Gln). This variant is present in population databases (rs142235298, gnomAD 0.07%). This variant has not been reported in the literature in individuals affected with HSPG2-related conditions. ClinVar contains an entry for this variant (Variation ID: 585979). Algorithms developed to predict the effect of missense changes on protein structure and function are either unavailable or do not agree on the potential impact of this missense change (SIFT: "Tolerated"; PolyPhen-2: "Probably Damaging"; Align-GVGD: "Class C0"). In summary, the available evidence is currently insufficient to determine the role of this variant in disease. Therefore, it has been classified as a Variant of Uncertain Significance.

Revvity Omics, Revvity
Classification: Uncertain significance. Last evaluated: 2019-06-07. Review status: criteria provided, single submitter. Criteria: ACMG Guidelines, 2015. Collection method: clinical testing. Allele origin: germline.

Athena Diagnostics
Classification: Uncertain significance. Last evaluated: 2017-10-12. Review status: criteria provided, single submitter. Criteria: Athena Diagnostics Criteria. Collection method: clinical testing. Allele origin: germline.

NM_005529.7(HSPG2):c.12257G>A (p.Arg4086Gln)

Gene: HSPG2 (heparan sulfate proteoglycan 2; minus strand). Cytogenetic location: 1p36.12.
Variant type: single nucleotide variant.
Coding change: c.12257G>A on transcript NM_005529.7 (MANE Select); coding-DNA position 12257, G replaced by A.
Protein change: p.Arg4086Gln; replaces arginine 4086 with glutamine.
Molecular consequence: missense variant.
Genome position (GRCh38, 1-based): chr1:21,828,407, C>T on the plus strand (G>A on the coding strand, the complement: HSPG2 is on the minus strand). VCF-style: chr1-21828407-C-T. GRCh37 (hg19) VCF-style: chr1-22154900-C-T.
Other names: c.12257G>A (NM_005529.5); c.12260G>A, p.Arg4087Gln (NM_001291860.2); short protein forms R4086Q, R4087Q.
Identifiers: ClinVar variation 585979 (VCV000585979.10), dbSNP rs142235298, ClinGen allele CA669475.